The following is an entry in ClinVar:

NM_000484.4(APP):c.584A>G (p.Asn195Ser)

Gene: APP (amyloid beta precursor protein; minus strand). Cytogenetic location: 21q21.3.
Variant type: single nucleotide variant.
Coding change: c.584A>G on transcript NM_000484.4 (MANE Select); coding-DNA position 584, A replaced by G.
Protein change: p.Asn195Ser; replaces asparagine 195 with serine.
Molecular consequence: missense variant.
Genome position (GRCh38, 1-based): chr21:26,051,078, T>C on the plus strand (A>G on the coding strand, the complement: APP is on the minus strand). VCF-style: chr21-26051078-T-C. GRCh37 (hg19) VCF-style: chr21-27423394-T-C.
Other names: c.569A>G, p.Asn190Ser (NM_001136016.3); c.416A>G, p.Asn139Ser (NM_001136129.3, NM_001136130.3); c.479A>G, p.Asn160Ser (NM_001136131.3); c.584A>G, p.Asn195Ser (NM_001204301.2, NM_001204302.2, NM_001204303.2 and 3 more transcripts); short protein forms N190S, N195S, N139S, N160S.
Identifiers: ClinVar variation 1973433 (VCV001973433.6), dbSNP rs1361888323, ClinGen allele CA409862849.

ClinVar aggregate classification (germline): Uncertain significance. Review status: criteria provided, multiple submitters, no conflicts (2 of 4 stars). 2 submissions from 2 submitters: Uncertain significance (2). Last evaluated 2024-12-02.

Conditions:
Alzheimer disease. Also called: Presenile and senile dementia; Alzheimer's disease. Identifiers: Orphanet 1020, MedGen C0002395, MeSH D000544, MONDO:0004975, HP:0002511.
Inborn genetic diseases. Identifiers: MedGen C0950123, MeSH D030342.

Allele frequency attached by ClinVar (database versions not stated): gnomAD 0.00001; gnomAD exomes 0.00001; TOPMed 0.00002.
gnomAD v4.1: 9 of 1,614,024 alleles (0.00056%); highest among the groups gnomAD compares: Admixed American, 0.0017%; no homozygotes.

Submissions (2):

Labcorp Genetics (formerly Invitae), Labcorp
Classification: Uncertain significance for Alzheimer disease. Last evaluated: 2024-12-02. Review status: criteria provided, single submitter. Criteria: Invitae Variant Classification Sherloc (09022015). Collection method: clinical testing. Allele origin: germline.
Comment: This sequence change replaces asparagine, which is neutral and polar, with serine, which is neutral and polar, at codon 195 of the APP protein (p.Asn195Ser). This variant is not present in population databases (gnomAD no frequency). This variant has not been reported in the literature in individuals affected with APP-related conditions. ClinVar contains an entry for this variant (Variation ID: 1973433). Invitae Evidence Modeling of protein sequence and biophysical properties (such as structural, functional, and spatial information, amino acid conservation, physicochemical variation, residue mobility, and thermodynamic stability) indicates that this missense variant is not expected to disrupt APP protein function with a negative predictive value of 95%. In summary, the available evidence is currently insufficient to determine the role of this variant in disease. Therefore, it has been classified as a Variant of Uncertain Significance.

Ambry Genetics
Classification: Uncertain significance for Inborn genetic diseases. Last evaluated: 2021-08-16. Review status: criteria provided, single submitter. Criteria: Ambry Variant Classification Scheme 2023. Collection method: clinical testing. Allele origin: germline.